The following is an entry in ClinVar:

NM_001382.4(DPAGT1):c.644-18_644-15del

Gene: DPAGT1 (dolichyl-phosphate N-acetylglucosaminephosphotransferase 1; minus strand). Cytogenetic location: 11q23.3.
Variant type: Microsatellite.
Coding change: c.644-18_644-15del on transcript NM_001382.4 (MANE Select); 18 bases into the intron before coding-DNA position 644 through 15 bases into the intron before coding-DNA position 644, 4 bases deleted (TCTT; older notation c.644-18_644-15delTCTT).
Molecular consequence: intron variant.
Genome position (GRCh38, 1-based): chr11:119,098,502-119,098,505, AAGA deleted on the plus strand (TCTT on the coding strand, the reverse complement: DPAGT1 is on the minus strand); deleting any 4 consecutive bases within chr11:119,098,502-119,098,510 gives the same sequence; the c. name uses the placement nearest the transcript's 3' end. VCF-style (leftmost placement, unchanged base first): chr11-119098501-GAAGA-G. GRCh37 (hg19) VCF-style: chr11-118969211-GAAGA-G.
Other names: c.644-18_644-15delTCTT (NM_001382.3).
Identifiers: ClinVar variation 517950 (VCV000517950.8), dbSNP rs750678639, ClinGen allele CA6314571.

ClinVar aggregate classification (germline): Likely benign. Review status: criteria provided, multiple submitters, no conflicts (2 of 4 stars). 2 submissions from 2 submitters: Likely benign (2). Last evaluated 2025-11-18.

Conditions:
Congenital myasthenic syndrome 13 (CMS13). Also called: Myasthenic syndrome, congenital, with tubular aggregates 2; Myasthenic syndrome, congenital, 13, with tubular aggregates. Identifiers: Orphanet 353327, Orphanet 590, MedGen C3553645, MONDO:0013883, OMIM 614750.
DPAGT1-congenital disorder of glycosylation. Also called: CONGENITAL DISORDER OF GLYCOSYLATION, TYPE Ij; CDG Ij; DPAGT1-CDG. Identifiers: Orphanet 86309, MedGen C2931004, MONDO:0011964, OMIM 608093.

Submissions (2):

Labcorp Genetics (formerly Invitae), Labcorp
Classification: Likely benign for Congenital myasthenic syndrome 13; DPAGT1-congenital disorder of glycosylation. Last evaluated: 2025-11-18. Review status: criteria provided, single submitter. Criteria: Invitae Variant Classification Sherloc (09022015). Collection method: clinical testing. Allele origin: germline.

GeneDx
Classification: Likely benign. Last evaluated: 2017-06-26. Review status: criteria provided, single submitter. Criteria: GeneDx Variant Classification (06012015). Collection method: clinical testing. Allele origin: germline. Affected: yes.
Comment: This variant is considered likely benign or benign based on one or more of the following criteria: it is a conservative change, it occurs at a poorly conserved position in the protein, it is predicted to be benign by multiple in silico algorithms, and/or has population frequency not consistent with disease.